The following is an entry in ClinVar:

ClinVar aggregate classification (germline): Uncertain significance. Review status: criteria provided, multiple submitters, no conflicts (2 of 4 stars). 2 submissions from 2 submitters: Uncertain significance (2). Last evaluated 2024-04-10.

Conditions:
Inborn genetic diseases. Identifiers: MedGen C0950123, MeSH D030342.
Autosomal dominant nocturnal frontal lobe epilepsy 5. Also called: Epilepsy, nocturnal frontal lobe, 5; CILIARY DYSKINESIA, PRIMARY, 28, WITHOUT SITUS INVERSUS; CILIARY DYSKINESIA, PRIMARY, 28, WITH SITUS INVERSUS; KCNT1-Related Epilepsy. Identifiers: Orphanet 98784, MedGen C3554306, MONDO:0014002, OMIM 615005.
Developmental and epileptic encephalopathy, 14 (DEE14). Also called: Early infantile epileptic encephalopathy 14. Identifiers: Orphanet 293181, MedGen C3554195, MONDO:0013989, OMIM 614959.

Submissions (2):

Labcorp Genetics (formerly Invitae), Labcorp
Classification: Uncertain significance for Autosomal dominant nocturnal frontal lobe epilepsy 5; Developmental and epileptic encephalopathy, 14. Last evaluated: 2024-04-10. Review status: criteria provided, single submitter. Criteria: Invitae Variant Classification Sherloc (09022015). Collection method: clinical testing. Allele origin: germline.
Comment: This sequence change replaces isoleucine, which is neutral and non-polar, with valine, which is neutral and non-polar, at codon 186 of the KCNT1 protein (p.Ile186Val). This variant is not present in population databases (gnomAD no frequency). This variant has not been reported in the literature in individuals affected with KCNT1-related conditions. ClinVar contains an entry for this variant (Variation ID: 1362879). Advanced modeling of protein sequence and biophysical properties (such as structural, functional, and spatial information, amino acid conservation, physicochemical variation, residue mobility, and thermodynamic stability) performed at Invitae indicates that this missense variant is not expected to disrupt KCNT1 protein function with a negative predictive value of 80%. In summary, the available evidence is currently insufficient to determine the role of this variant in disease. Therefore, it has been classified as a Variant of Uncertain Significance.

Ambry Genetics
Classification: Uncertain significance for Inborn genetic diseases. Last evaluated: 2022-04-29. Review status: criteria provided, single submitter. Criteria: Ambry Variant Classification Scheme 2023. Collection method: clinical testing. Allele origin: germline.

NM_020822.3(KCNT1):c.556A>G (p.Ile186Val)

Gene: KCNT1 (potassium sodium-activated channel subfamily T member 1; plus strand). Cytogenetic location: 9q34.3.
Variant type: single nucleotide variant.
Coding change: c.556A>G on transcript NM_020822.3 (MANE Select); coding-DNA position 556, A replaced by G.
Protein change: p.Ile186Val; replaces isoleucine 186 with valine.
Molecular consequence: missense variant.
Genome position (GRCh38, 1-based): chr9:135,756,888, A>G. VCF-style: chr9-135756888-A-G. GRCh37 (hg19) VCF-style: chr9-138648734-A-G.
Other names: c.412A>G, p.Ile138Val (NM_001272003.2); c.556A>G (NM_020822.2); short protein forms I138V, I186V.
Identifiers: ClinVar variation 1362879 (VCV001362879.7), dbSNP rs1831515095, ClinGen allele CA375496976.